The following is an entry in ClinVar:

ClinVar aggregate classification (germline): Uncertain significance (1 of 4 stars; one submission).

Conditions:
Congenital myasthenic syndrome 8. Also called: Myasthenic syndrome, congenital, 8, with pre- and postsynaptic defects; MYASTHENIC SYNDROME, CONGENITAL, DUE TO AGRIN DEFICIENCY. Identifiers: Orphanet 590, MedGen C3808739, MONDO:0014052, OMIM 615120.

Allele frequency attached by ClinVar (database versions not stated): gnomAD exomes 0.00002; TOPMed 0.00005; gnomAD 0.00004.
gnomAD v4.1: 28 of 1,613,074 alleles (0.0017%); highest among the groups gnomAD compares: African/African-American, 0.0093%; no homozygotes.

Submission:

Labcorp Genetics (formerly Invitae), Labcorp
Classification: Uncertain significance for Congenital myasthenic syndrome 8. Last evaluated: 2022-04-07. Review status: criteria provided, single submitter. Criteria: Invitae Variant Classification Sherloc (09022015). Collection method: clinical testing. Allele origin: germline.
Comment: This sequence change replaces serine, which is neutral and polar, with leucine, which is neutral and non-polar, at codon 867 of the AGRN protein (p.Ser867Leu). This variant is present in population databases (no rsID available, gnomAD 0.02%). This variant has not been reported in the literature in individuals affected with AGRN-related conditions. Algorithms developed to predict the effect of missense changes on protein structure and function are either unavailable or do not agree on the potential impact of this missense change (SIFT: "Deleterious"; PolyPhen-2: "Possibly Damaging"; Align-GVGD: "Class C0"). In summary, the available evidence is currently insufficient to determine the role of this variant in disease. Therefore, it has been classified as a Variant of Uncertain Significance.

NM_198576.4(AGRN):c.2600C>T (p.Ser867Leu)

Gene: AGRN (agrin; plus strand). Cytogenetic location: 1p36.33.
Variant type: single nucleotide variant.
Coding change: c.2600C>T on transcript NM_198576.4 (MANE Select); coding-DNA position 2600, C replaced by T.
Protein change: p.Ser867Leu; replaces serine 867 with leucine.
Molecular consequence: missense variant.
Genome position (GRCh38, 1-based): chr1:1,045,796, C>T. VCF-style: chr1-1045796-C-T. GRCh37 (hg19) VCF-style: chr1-981176-C-T.
Other names: c.2600C>T, p.Ser867Leu (NM_001305275.2); c.2285C>T, p.Ser762Leu (NM_001364727.2); short protein forms S762L, S867L.
Identifiers: ClinVar variation 1477066 (VCV001477066.5), dbSNP rs1037530738, ClinGen allele CA16757158.